The following is an entry in ClinVar:

ClinVar aggregate classification (germline): Benign (1 of 4 stars; one submission).

gnomAD v4.1: 23,217 of 1,614,144 alleles (1.4%); highest among the groups gnomAD compares: Non-Finnish European, 1.7%; 210 homozygotes.

Submission:

Mayo Clinic Laboratories, Mayo Clinic
Classification: Benign. Last evaluated: 2025-07-08. Review status: criteria provided, single submitter. Criteria: ACMG Guidelines, 2015. Collection method: clinical testing. Allele origin: germline. Observed: 16 variant alleles.
Comment: BS1, BS2, BP4, BP7

NM_000031.6(ALAD):c.715-21C>T

Gene: ALAD (aminolevulinate dehydratase; minus strand). Cytogenetic location: 9q32.
Variant type: single nucleotide variant.
Coding change: c.715-21C>T on transcript NM_000031.6 (MANE Select); 21 bases into the intron before coding-DNA position 715, C replaced by T.
Molecular consequence: intron variant.
Genome position (GRCh38, 1-based): chr9:113,389,545, G>A on the plus strand (C>T on the coding strand, the complement: ALAD is on the minus strand). VCF-style: chr9-113389545-G-A. GRCh37 (hg19) VCF-style: chr9-116151825-G-A.
Other names: p.?; c.802-21C>T (NM_001003945.3); c.691-21C>T (NM_001317745.2).
Identifiers: ClinVar variation 4683418 (VCV004683418.1).